The following is an entry in ClinVar:

NM_005431.2(XRCC2):c.556G>C (p.Asp186His)

Gene: XRCC2 (X-ray repair cross complementing 2; minus strand). Cytogenetic location: 7q36.1.
Variant type: single nucleotide variant.
Coding change: c.556G>C on transcript NM_005431.2 (MANE Select); coding-DNA position 556, G replaced by C.
Protein change: p.Asp186His; replaces aspartic acid 186 with histidine.
Molecular consequence: missense variant.
Genome position (GRCh38, 1-based): chr7:152,648,929, C>G on the plus strand (G>C on the coding strand, the complement: XRCC2 is on the minus strand). VCF-style: chr7-152648929-C-G. GRCh37 (hg19) VCF-style: chr7-152346014-C-G.
Other names: short protein forms D186H.
Identifiers: ClinVar variation 1748361 (VCV001748361.2), dbSNP rs2116987575, ClinGen allele CA370198436.

ClinVar aggregate classification (germline): Uncertain significance (1 of 4 stars; one submission).

Conditions:
Hereditary cancer-predisposing syndrome. Also called: Hereditary Cancer Syndrome; Hereditary neoplastic syndrome; Neoplastic Syndromes, Hereditary; Tumor predisposition. Identifiers: Orphanet 140162, MedGen C0027672, MeSH D009386, MONDO:0015356.

Submission:

Ambry Genetics
Classification: Uncertain significance for Hereditary cancer-predisposing syndrome. Last evaluated: 2022-08-16. Review status: criteria provided, single submitter. Criteria: Ambry Variant Classification Scheme 2023. Collection method: clinical testing. Allele origin: germline.
Comment: The p.D186H variant (also known as c.556G>C), located in coding exon 3 of the XRCC2 gene, results from a G to C substitution at nucleotide position 556. The aspartic acid at codon 186 is replaced by histidine, an amino acid with similar properties. This amino acid position is conserved. In addition, this alteration is predicted to be tolerated by in silico analysis. Since supporting evidence is limited at this time, the clinical significance of this alteration remains unclear.